The following is an entry in ClinVar:

ClinVar aggregate classification (germline): Uncertain significance. Review status: criteria provided, multiple submitters, no conflicts (2 of 4 stars). 2 submissions from 2 submitters: Uncertain significance (2). Last evaluated 2025-07-08.

Conditions:
Wilson disease (WND). Also called: Wilson's disease. Identifiers: Orphanet 905, MedGen C0019202, MONDO:0010200, OMIM 277900. Disease mechanism: loss of function.

gnomAD v4.1: 7 of 1,614,050 alleles (0.00043%); highest among the groups gnomAD compares: African/African-American, 0.0093%; no homozygotes.

Submissions (2):

Color Diagnostics, LLC DBA Color Health
Classification: Uncertain significance for Wilson disease. Last evaluated: 2025-07-08. Review status: criteria provided, single submitter. Criteria: ACMG Guidelines, 2015. Collection method: clinical testing. Allele origin: germline.
Comment: This missense variant replaces serine with arginine at codon 218 of the ATP7B protein. Computational prediction suggests that this variant may not impact protein structure and function. To our knowledge, functional studies have not been reported for this variant. This variant has not been reported in individuals affected with ATP7B-related disorders in the literature. This variant has been identified in 3/280848 chromosomes in the general population by the Genome Aggregation Database (gnomAD). The available evidence is insufficient to determine the role of this variant in disease conclusively. Therefore, this variant is classified as a Variant of Uncertain Significance.

Fulgent Genetics
Classification: Uncertain significance for Wilson disease. Last evaluated: 2024-02-15. Review status: criteria provided, single submitter. Criteria: ACMG Guidelines, 2015. Collection method: clinical testing. Allele origin: germline.

NM_000053.4(ATP7B):c.652A>C (p.Ser218Arg)

Gene: ATP7B (ATPase copper transporting beta; minus strand). Cytogenetic location: 13q14.3.
Variant type: single nucleotide variant.
Coding change: c.652A>C on transcript NM_000053.4 (MANE Select); coding-DNA position 652, A replaced by C.
Protein change: p.Ser218Arg; replaces serine 218 with arginine.
Molecular consequence: missense variant.
Genome position (GRCh38, 1-based): chr13:51,974,568, T>G on the plus strand (A>C on the coding strand, the complement: ATP7B is on the minus strand). VCF-style: chr13-51974568-T-G. GRCh37 (hg19) VCF-style: chr13-52548704-T-G.
Other names: c.652A>C, p.Ser218Arg (NM_001243182.2, NM_001330578.2, NM_001330579.2 and 30 more transcripts); c.556A>C, p.Ser186Arg (NM_001406530.1, NM_001406536.1, NM_001406517.1 and 4 more transcripts); short protein forms S186R, S218R.
Identifiers: ClinVar variation 3576323 (VCV003576323.2).
Genomic context (GRCh38, chr13:51,974,568, plus strand): 5'-AAGATAAAGGTCTCTTTGGGTTAGTGCTTTGTAACCGCTCAATATCAATTGGTCCCAGGC[T>G]TAAGGGAGCCACTTTGCTCTTGATGGCAGCTTCAAATCCCATGTCATTTACATGGTCCCT-3'
Protein context (NP_000044.2, residues 208-228): AAIKSKVAPL[Ser218Arg]LGPIDIERLQ